The following is an entry in ClinVar:

NM_000548.5(TSC2):c.2101T>G (p.Ser701Ala)

Gene: TSC2 (TSC complex subunit 2; plus strand). Cytogenetic location: 16p13.3.
Variant type: single nucleotide variant.
Coding change: c.2101T>G on transcript NM_000548.5 (MANE Select); coding-DNA position 2101, T replaced by G.
Protein change: p.Ser701Ala; replaces serine 701 with alanine.
Molecular consequence: missense variant. On other transcripts: non-coding transcript variant (5).
Genome position (GRCh38, 1-based): chr16:2,072,244, T>G. VCF-style: chr16-2072244-T-G. GRCh37 (hg19) VCF-style: chr16-2122245-T-G.
Other names: c.2101T>G, p.Ser701Ala (NM_001363528.2, NM_001370404.1, NM_001370405.1 and 6 more transcripts); c.2191T>G, p.Ser731Ala (NM_001406667.1, NM_001406668.1); c.1990T>G, p.Ser664Ala (NM_001406670.1, NM_001406678.1, NM_001318827.2); c.1501T>G, p.Ser501Ala (NM_001406683.1, NM_001406684.1, NM_001406685.1 and 6 more transcripts); c.757T>G, p.Ser253Ala (NM_001406689.1, NM_001406690.1, NM_001406691.1 and 6 more transcripts); c.499T>G, p.Ser167Ala (NM_001406698.1); c.2089T>G, p.Ser697Ala (NM_001406671.1, NM_001406673.1); c.1954T>G, p.Ser652Ala (NM_001406675.1, NM_001406676.1, NM_001406679.1 and 1 more transcripts); and 3 more; short protein forms S664A, S682A, S712A, S652A, S697A, S701A, S253A, S547A.
Identifiers: ClinVar variation 2708469 (VCV002708469.3), dbSNP rs1596346996, ClinGen allele CA394274754.

ClinVar aggregate classification (germline): Uncertain significance (1 of 4 stars; one submission).

Conditions:
Tuberous sclerosis 2 (TSC2). Identifiers: Orphanet 805, MedGen C1860707, MONDO:0013199, OMIM 613254.

Submission:

Labcorp Genetics (formerly Invitae), Labcorp
Classification: Uncertain significance for Tuberous sclerosis 2. Last evaluated: 2024-01-09. Review status: criteria provided, single submitter. Criteria: Invitae Variant Classification Sherloc (09022015). Collection method: clinical testing. Allele origin: germline.
Comment: This sequence change replaces serine, which is neutral and polar, with alanine, which is neutral and non-polar, at codon 701 of the TSC2 protein (p.Ser701Ala). This variant is not present in population databases (gnomAD no frequency). This variant has not been reported in the literature in individuals affected with TSC2-related conditions. Advanced modeling of protein sequence and biophysical properties (such as structural, functional, and spatial information, amino acid conservation, physicochemical variation, residue mobility, and thermodynamic stability) performed at Invitae indicates that this missense variant is not expected to disrupt TSC2 protein function with a negative predictive value of 95%. In summary, the available evidence is currently insufficient to determine the role of this variant in disease. Therefore, it has been classified as a Variant of Uncertain Significance.